The following is an entry in ClinVar:

NM_000540.3(RYR1):c.8260T>G (p.Phe2754Val)

Gene: RYR1 (ryanodine receptor 1; plus strand). Cytogenetic location: 19q13.2.
Variant type: single nucleotide variant.
Coding change: c.8260T>G on transcript NM_000540.3 (MANE Select); coding-DNA position 8260, T replaced by G.
Protein change: p.Phe2754Val; replaces phenylalanine 2754 with valine.
Molecular consequence: missense variant.
Genome position (GRCh38, 1-based): chr19:38,505,031, T>G. VCF-style: chr19-38505031-T-G. GRCh37 (hg19) VCF-style: chr19-38995671-T-G.
Other names: c.8260T>G, p.Phe2754Val (NM_001042723.2); short protein forms F2754V.
Identifiers: ClinVar variation 4527237 (VCV004527237.2).

ClinVar aggregate classification (germline): Uncertain significance. Review status: criteria provided, multiple submitters, no conflicts (2 of 4 stars). 2 submissions from 2 submitters: Uncertain significance (2). Last evaluated 2026-08-13.

Conditions:
Inborn genetic diseases. Identifiers: MedGen C0950123, MeSH D030342.

gnomAD v4.1: 21 of 1,614,152 alleles (0.0013%); highest among the groups gnomAD compares: Non-Finnish European, 0.0017%; no homozygotes.

Submissions (2):

Ambry Genetics
Classification: Uncertain significance for Inborn genetic diseases. Last evaluated: 2026-08-13. Review status: criteria provided, single submitter. Criteria: Ambry Variant Classification Scheme 2023. Collection method: clinical testing. Allele origin: germline.

GeneDx
Classification: Uncertain significance. Last evaluated: 2025-04-23. Review status: criteria provided, single submitter. Criteria: GeneDx Variant Classification Process June 2021. Collection method: clinical testing. Allele origin: germline. Affected: yes.
Comment: Not observed at significant frequency in large population cohorts (gnomAD); In silico analysis supports that this missense variant has a deleterious effect on protein structure/function; Has not been previously published as pathogenic or benign to our knowledge; This variant is associated with the following publications: (PMID: 12668474)